The following is an entry in ClinVar:

NM_000260.4(MYO7A):c.3985_3999del (p.Tyr1329_Gln1333del)

Gene: MYO7A (myosin VIIA; plus strand). Cytogenetic location: 11q13.5.
Variant type: Deletion.
Coding change: c.3985_3999del on transcript NM_000260.4 (MANE Select); coding-DNA positions 3985 to 3999, 15 bases deleted (TACGCCAAGGAGCAG).
Protein change: p.Tyr1329_Gln1333del.
Molecular consequence: inframe deletion.
Genome position (GRCh38, 1-based): chr11:77,192,111-77,192,125, TACGCCAAGGAGCAG deleted; deleting any 15 consecutive bases within chr11:77,192,105-77,192,125 gives the same sequence; the c. name uses the placement nearest the transcript's 3' end. VCF-style (leftmost placement, unchanged base first): chr11-77192104-CGAGCAGTACGCCAAG-C. GRCh37 (hg19) VCF-style: chr11-76903149-CGAGCAGTACGCCAAG-C.
Other names: c.3985_3999del, p.Tyr1329_Gln1333del (NM_001127180.2); c.3952_3966del, p.Tyr1318_Gln1322del (NM_001369365.1).
Identifiers: ClinVar variation 2846429 (VCV002846429.3), dbSNP rs2497409122, ClinGen allele CA2739270714.

ClinVar aggregate classification (germline): Uncertain significance (1 of 4 stars; one submission).

Submission:

Labcorp Genetics (formerly Invitae), Labcorp
Classification: Uncertain significance. Last evaluated: 2023-03-17. Review status: criteria provided, single submitter. Criteria: Invitae Variant Classification Sherloc (09022015). Collection method: clinical testing. Allele origin: germline.
Comment: In summary, the available evidence is currently insufficient to determine the role of this variant in disease. Therefore, it has been classified as a Variant of Uncertain Significance. Experimental studies and prediction algorithms are not available or were not evaluated, and the functional significance of this variant is currently unknown. This variant has not been reported in the literature in individuals affected with MYO7A-related conditions. This variant is not present in population databases (gnomAD no frequency). This variant, c.3985_3999del, results in the deletion of 5 amino acid(s) of the MYO7A protein (p.Tyr1329_Gln1333del), but otherwise preserves the integrity of the reading frame.